The following is an entry in ClinVar:

ClinVar aggregate classification (germline): Uncertain significance (1 of 4 stars; one submission).

Conditions:
Hereditary cancer-predisposing syndrome. Also called: Tumor predisposition; Hereditary Cancer Syndrome; Hereditary neoplastic syndrome; Neoplastic Syndromes, Hereditary. Identifiers: Orphanet 140162, MedGen C0027672, MeSH D009386, MONDO:0015356.

Submission:

Ambry Genetics
Classification: Uncertain significance for Hereditary cancer-predisposing syndrome. Last evaluated: 2024-04-24. Review status: criteria provided, single submitter. Criteria: Ambry Variant Classification Scheme 2023. Collection method: clinical testing. Allele origin: germline.
Comment: The p.P199A variant (also known as c.595C>G), located in coding exon 6 of the NBN gene, results from a C to G substitution at nucleotide position 595. The proline at codon 199 is replaced by alanine, an amino acid with highly similar properties. This amino acid position is conserved. In addition, the in silico prediction for this alteration is inconclusive. Based on the available evidence, the clinical significance of this variant remains unclear.

NM_002485.5(NBN):c.595C>G (p.Pro199Ala)

Gene: NBN (nibrin; minus strand). Cytogenetic location: 8q21.3.
Variant type: single nucleotide variant.
Coding change: c.595C>G on transcript NM_002485.5 (MANE Select); coding-DNA position 595, C replaced by G.
Protein change: p.Pro199Ala; replaces proline 199 with alanine.
Molecular consequence: missense variant.
Genome position (GRCh38, 1-based): chr8:89,971,280, G>C on the plus strand (C>G on the coding strand, the complement: NBN is on the minus strand). VCF-style: chr8-89971280-G-C. GRCh37 (hg19) VCF-style: chr8-90983508-G-C.
Other names: c.349C>G, p.Pro117Ala (NM_001024688.3); short protein forms P117A, P199A.
Identifiers: ClinVar variation 3298629 (VCV003298629.1).